The following is an entry in ClinVar:

NC_000017.10:g.(?_3540053)_3561464del

Gene: CTNS (cystinosin, lysosomal cystine transporter; plus strand). Cytogenetic location: 17p13.2.
Variant type: Deletion.
Identifiers: ClinVar variation 3069036 (VCV003069036.1).

ClinVar aggregate classification (germline): Pathogenic (1 of 4 stars; one submission).

Conditions:
Cystinosis. Also called: Cystine diathesis; Cystine storage disease; Cystinoses. Identifiers: Orphanet 213, MedGen C4316899, MONDO:0016239.

Submission:

Women's Health and Genetics/Laboratory Corporation of America, LabCorp
Classification: Pathogenic for Cystinosis. Last evaluated: 2024-02-28. Review status: criteria provided, single submitter. Criteria: LabCorp Variant Classification Summary - May 2015. Collection method: clinical testing. Allele origin: germline.
Comment: Variant summary: The variant involves the deletion of exons 1-9 and a large part of exon 10 in the CTNS gene. A presumed nomenclature of c.(?_-302)_847del has been designated for the purposes of this classification. The exact breakpoint at the 5' end of this variant is unknown, therefore this deletion may extend upstream of the annotated region of this gene. Although the exact breakpoints of this deletion are not known, it is predicted to remove the initiation codon and result in an absence of protein or a truncation of the encoded protein due to translation initiation at a downstream site. A ~57-kb deletion that encompasses exons 1-9 and a large part of exon 10 of the CTNS gene and extends further upstream (also affecting the SHPK and TRPV1 genes) was found at a frequency of 0.00075 in 120780 control chromosomes, predominantly at a frequency of 0.0013 within the Non-Finnish European subpopulation in the gnomAD database (Structural Variants v4.0 dataset). This frequency is not higher than the estimated maximum expected for a pathogenic variant in CTNS causing Cystinosis (0.0025). A 57-kb deletion (originally reported as a 65-kb deletion) which includes exons 1-9 and part of exon 10 has been reported in the literature in numerous individuals affected with Cystinosis (e.g. Anikster_1999, Touchman_2000). These data indicate that the variant is very likely to be associated with disease. To our knowledge, no experimental evidence demonstrating an impact on protein function has been reported. ClinVar contains an entry for this variant (Variation ID: 1458479). Based on the evidence outlined above, the variant was classified as pathogenic.

Literature cited by the submitters: PubMed 10068513; PubMed 10673275.